The following is an entry in ClinVar:

NM_024105.4(ALG12):c.838C>T (p.Pro280Ser)

Gene: ALG12 (ALG12 alpha-1,6-mannosyltransferase; minus strand). Cytogenetic location: 22q13.33.
Variant type: single nucleotide variant.
Coding change: c.838C>T on transcript NM_024105.4 (MANE Select); coding-DNA position 838, C replaced by T.
Protein change: p.Pro280Ser; replaces proline 280 with serine.
Molecular consequence: missense variant.
Genome position (GRCh38, 1-based): chr22:49,907,875, G>A on the plus strand (C>T on the coding strand, the complement: ALG12 is on the minus strand). VCF-style: chr22-49907875-G-A. GRCh37 (hg19) VCF-style: chr22-50301523-G-A.
Other names: short protein forms P280S.
Identifiers: ClinVar variation 1974250 (VCV001974250.5), dbSNP rs764096707, ClinGen allele CA10300430.

ClinVar aggregate classification (germline): Uncertain significance (1 of 4 stars; one submission).

Conditions:
ALG12-congenital disorder of glycosylation (CDG1G). Also called: ALG12-CDG; CDG Ig; Congenital disorder of glycosylation, type Ig. Identifiers: Orphanet 79324, MedGen C2931001, MONDO:0011783, OMIM 607143.

Allele frequency attached by ClinVar (database versions not stated): gnomAD exomes below 0.00001; ExAC 0.00001.

Submission:

Labcorp Genetics (formerly Invitae), Labcorp
Classification: Uncertain significance for ALG12-congenital disorder of glycosylation. Last evaluated: 2022-07-19. Review status: criteria provided, single submitter. Criteria: Invitae Variant Classification Sherloc (09022015). Collection method: clinical testing. Allele origin: germline.
Comment: This variant has not been reported in the literature in individuals affected with ALG12-related conditions. Algorithms developed to predict the effect of missense changes on protein structure and function are either unavailable or do not agree on the potential impact of this missense change (SIFT: "Tolerated"; PolyPhen-2: "Probably Damaging"; Align-GVGD: "Class C0"). In summary, the available evidence is currently insufficient to determine the role of this variant in disease. Therefore, it has been classified as a Variant of Uncertain Significance. This variant is present in population databases (rs764096707, gnomAD 0.0009%). This sequence change replaces proline, which is neutral and non-polar, with serine, which is neutral and polar, at codon 280 of the ALG12 protein (p.Pro280Ser).